The following is an entry in ClinVar:

ClinVar aggregate classification (germline): Benign/Likely benign. Review status: criteria provided, multiple submitters, no conflicts (2 of 4 stars). 2 submissions from 2 submitters: Benign (1); Likely benign (1). Last evaluated 2025-05-05.

Conditions:
Familial melanoma. Also called: Hereditary melanoma; Hereditary cutaneous melanoma. Identifiers: Orphanet 618, MedGen C1512419, MONDO:0018961.
Melanoma, cutaneous malignant, susceptibility to, 3. Also called: Cutaneous malignant melanoma 3. Identifiers: Orphanet 618, MedGen C1836892, MONDO:0012183, OMIM 609048.

Submissions (2):

Labcorp Genetics (formerly Invitae), Labcorp
Classification: Likely benign for Familial melanoma. Last evaluated: 2025-05-05. Review status: criteria provided, single submitter. Criteria: Invitae Variant Classification Sherloc (09022015). Collection method: clinical testing. Allele origin: germline.

Myriad Genetics, Inc.
Classification: Benign for Melanoma, cutaneous malignant, susceptibility to, 3. Last evaluated: 2024-09-25. Review status: criteria provided, single submitter. Criteria: Myriad Autosomal Dominant, Autosomal Recessive and X-Linked Classification Criteria (2023). Collection method: clinical testing. Allele origin: unknown.
Comment: This variant is considered benign. This variant is a silent/synonymous amino acid change and it is not expected to impact splicing.

NM_000075.4(CDK4):c.282G>A (p.Glu94=)

Gene: CDK4 (cyclin dependent kinase 4; minus strand). Cytogenetic location: 12q14.1.
Variant type: single nucleotide variant.
Coding change: c.282G>A on transcript NM_000075.4 (MANE Select); coding-DNA position 282, G replaced by A.
Protein change: p.Glu94=; no amino-acid change (glutamic acid 94 retained).
Molecular consequence: synonymous variant.
Genome position (GRCh38, 1-based): chr12:57,751,279, C>T on the plus strand (G>A on the coding strand, the complement: CDK4 is on the minus strand). VCF-style: chr12-57751279-C-T. GRCh37 (hg19) VCF-style: chr12-58145062-C-T.
Identifiers: ClinVar variation 3378418 (VCV003378418.2).